The following is an entry in ClinVar:

ClinVar aggregate classification (germline): Uncertain significance (1 of 4 stars; one submission).

Conditions:
Familial hypercholesterolemia. Also called: Familial hypercholesterolaemia. Identifiers: MedGen C0020445, MONDO:0005439.

gnomAD v4.1: 2 of 1,613,622 alleles (0.00012%); highest among the groups gnomAD compares: Non-Finnish European, 0.00017%; no homozygotes.

Submission:

Color Diagnostics, LLC DBA Color Health
Classification: Uncertain significance for Familial hypercholesterolemia. Last evaluated: 2025-08-10. Review status: criteria provided, single submitter. Criteria: ACMG Guidelines, 2015. Collection method: clinical testing. Allele origin: germline.
Comment: This missense variant replaces threonine with isoleucine at codon 673 of the PCSK9 protein. Computational prediction suggests that this variant may not impact protein structure and function. To our knowledge, functional studies have not been reported for this variant. This variant has not been reported in individuals affected with PCSK9-related disorders in the literature. This variant has not been identified in the general population by the Genome Aggregation Database (gnomAD). The available evidence is insufficient to determine the role of this variant in disease conclusively. Therefore, this variant is classified as a Variant of Uncertain Significance.

NM_174936.4(PCSK9):c.2018C>T (p.Thr673Ile)

Gene: PCSK9 (proprotein convertase subtilisin/kexin type 9; plus strand). Cytogenetic location: 1p32.3.
Variant type: single nucleotide variant.
Coding change: c.2018C>T on transcript NM_174936.4 (MANE Select); coding-DNA position 2018, C replaced by T.
Protein change: p.Thr673Ile; replaces threonine 673 with isoleucine.
Molecular consequence: missense variant. On other transcripts: non-coding transcript variant (8).
Genome position (GRCh38, 1-based): chr1:55,063,523, C>T. VCF-style: chr1-55063523-C-T. GRCh37 (hg19) VCF-style: chr1-55529196-C-T.
Other names: c.2141C>T, p.Thr714Ile (NM_001407240.1); c.2060C>T, p.Thr687Ile (NM_001407241.1); c.2021C>T, p.Thr674Ile (NM_001407242.1); c.1961C>T, p.Thr654Ile (NM_001407243.1); c.1844C>T, p.Thr615Ile (NM_001407244.1); c.1826C>T, p.Thr609Ile (NM_001407245.1); c.1643C>T, p.Thr548Ile (NM_001407246.1); c.1517C>T, p.Thr506Ile (NM_001407247.1); short protein forms T506I, T548I, T609I, T615I, T654I, T673I, T674I, T687I.
Identifiers: ClinVar variation 4756242 (VCV004756242.1).